The following is an entry in ClinVar:

ClinVar aggregate classification (germline): Conflicting classifications of pathogenicity. Review status: criteria provided, conflicting classifications (1 of 4 stars). 3 submissions from 3 submitters: Pathogenic (1); Likely pathogenic (1); Uncertain significance (1). Last evaluated 2026-01-09.

Conditions:
Hypophosphataemia or rickets.

Allele frequency attached by ClinVar (database versions not stated): gnomAD exomes below 0.00001; gnomAD 0.00001.
gnomAD v4.1: 2 of 1,608,724 alleles (0.00012%); highest among the groups gnomAD compares: Admixed American, 0.0017%; no homozygotes.

Submissions (3):

Cambridge Genomics Laboratory, East Genomic Laboratory Hub, NHS Genomic Medicine Service
Classification: Uncertain significance for Hypophosphataemia or rickets. Last evaluated: 2026-01-09. Review status: criteria provided, single submitter. Criteria: ACGS Best Practice Guidelines for Variant Classification in Rare Disease 2020. Collection method: clinical testing. Allele origin: germline. Affected: yes.
Comment: PVS1_Moderate,PM2

CeGaT Center for Human Genetics Tuebingen
Classification: Likely pathogenic. Last evaluated: 2025-12-01. Review status: criteria provided, single submitter. Criteria: CeGaT Center For Human Genetics Tuebingen Variant Classification Criteria Version 2. Collection method: clinical testing. Allele origin: germline. Affected: yes. Observed: 1 variant allele.
Comment: ALPL: PVS1:Strong, PM2, PP4:Moderate

Labcorp Genetics (formerly Invitae), Labcorp
Classification: Pathogenic. Last evaluated: 2022-03-31. Review status: criteria provided, single submitter. Criteria: Invitae Variant Classification Sherloc (09022015). Collection method: clinical testing. Allele origin: germline.
Comment: This sequence change creates a premature translational stop signal (p.Gln477*) in the ALPL gene. While this is not anticipated to result in nonsense mediated decay, it is expected to disrupt the last 48 amino acid(s) of the ALPL protein. This variant is not present in population databases (gnomAD no frequency). This variant has not been reported in the literature in individuals affected with ALPL-related conditions. This variant disrupts a region of the ALPL protein in which other variant(s) (p.Gly491Arg) have been determined to be pathogenic (PMID: 9781036, 17253930, 26459154, 31641588). This suggests that this is a clinically significant region of the protein, and that variants that disrupt it are likely to be disease-causing. For these reasons, this variant has been classified as Pathogenic.

Literature cited by the submitters: PubMed 9781036 (cited by Labcorp Genetics (formerly Invitae), Labcorp); PubMed 17253930 (cited by Labcorp Genetics (formerly Invitae), Labcorp); PubMed 26459154 (cited by Labcorp Genetics (formerly Invitae), Labcorp); PubMed 31641588 (cited by Labcorp Genetics (formerly Invitae), Labcorp).

NM_000478.6(ALPL):c.1429C>T (p.Gln477Ter)

Gene: ALPL (alkaline phosphatase, biomineralization associated; plus strand). Cytogenetic location: 1p36.12.
Variant type: single nucleotide variant.
Coding change: c.1429C>T on transcript NM_000478.6 (MANE Select); coding-DNA position 1429, C replaced by T.
Protein change: p.Gln477Ter; replaces glutamine 477 with a stop codon.
Molecular consequence: nonsense.
Genome position (GRCh38, 1-based): chr1:21,577,502, C>T. VCF-style: chr1-21577502-C-T. GRCh37 (hg19) VCF-style: chr1-21903995-C-T.
Other names: c.1264C>T, p.Gln422Ter (NM_001127501.4); c.1198C>T, p.Gln400Ter (NM_001177520.3); c.1429C>T, p.Gln477Ter (NM_001369803.2, NM_001369804.2, NM_001369805.2); short protein forms Q422*, Q477*, Q400*.
Identifiers: ClinVar variation 2119834 (VCV002119834.9), dbSNP rs1644755604, ClinGen allele CA338882181.